The following is an entry in ClinVar:

NM_000455.5(STK11):c.920+6C>T

Gene: STK11 (serine/threonine kinase 11; plus strand). Cytogenetic location: 19p13.3.
Variant type: single nucleotide variant.
Coding change: c.920+6C>T on transcript NM_000455.5 (MANE Select); 6 bases into the intron after coding-DNA position 920, C replaced by T.
Molecular consequence: intron variant.
Genome position (GRCh38, 1-based): chr19:1,222,012, C>T. VCF-style: chr19-1222012-C-T. GRCh37 (hg19) VCF-style: chr19-1222011-C-T.
Identifiers: ClinVar variation 182888 (VCV000182888.60), dbSNP rs730881964, ClinGen allele CA023352.
Genomic context (GRCh38, chr19:1,222,012, plus strand): 5'-TGCTTGAGTACGAACCGGCCAAGAGGTTCTCCATCCGGCAGATCCGGCAGCACAGGTGAG[C>T]GGCCCCTGGGGGCAGTGGGGCCGAGGCTGCAGGGAGGCCGGCCATGTGGGCAGCTGGTTG-3'

ClinVar aggregate classification (germline): Conflicting classifications of pathogenicity. Review status: criteria provided, conflicting classifications (1 of 4 stars). 15 submissions from 15 submitters: Uncertain significance (2); Benign (3); Likely benign (8). 2 of the submissions do not count toward it. Last evaluated 2026-01-27.

Conditions:
STK11-related disorder. Also called: STK11-related condition.
Hereditary cancer-predisposing syndrome. Also called: Tumor predisposition; Neoplastic Syndromes, Hereditary; Hereditary Cancer Syndrome; Hereditary neoplastic syndrome. Identifiers: Orphanet 140162, MedGen C0027672, MeSH D009386, MONDO:0015356.
Peutz-Jeghers syndrome (PJS). Also called: Peutz-Jeghers polyposis; Periorificial lentiginosis syndrome; POLYPOSIS, HAMARTOMATOUS INTESTINAL; POLYPS-AND-SPOTS SYNDROME. Identifiers: Orphanet 2869, MedGen C0031269, MeSH D010580, MONDO:0008280, OMIM 175200.

Allele frequency attached by ClinVar (database versions not stated): 1000 Genomes Project 30x 0.00016; gnomAD 0.00005; TOPMed 0.00005; gnomAD exomes 0.00008.
gnomAD v4.1: 117 of 1,567,822 alleles (0.0075%); highest among the groups gnomAD compares: East Asian, 0.04%; no homozygotes.

Submissions (15):

Labcorp Genetics (formerly Invitae), Labcorp
Classification: Likely benign for Peutz-Jeghers syndrome. Last evaluated: 2026-01-27. Review status: criteria provided, single submitter. Criteria: Invitae Variant Classification Sherloc (09022015). Collection method: clinical testing. Allele origin: germline.

Myriad Genetics, Inc.
Classification: Likely benign for Peutz-Jeghers syndrome. Last evaluated: 2025-03-27. Review status: criteria provided, single submitter. Criteria: Myriad Autosomal Dominant, Autosomal Recessive and X-Linked Classification Criteria (2023). Collection method: clinical testing. Allele origin: unknown.
Comment: This variant is considered likely benign. This variant is intronic and is not expected to impact mRNA splicing.

Center for Genomic Medicine, Rigshospitalet, Copenhagen University Hospital
Classification: Likely benign. Last evaluated: 2025-03-04. Review status: criteria provided, single submitter. Criteria: ACMG Guidelines, 2015. Collection method: clinical testing. Allele origin: germline.

Blueprint Genetics
Classification: Likely benign. Last evaluated: 2024-09-02. Review status: criteria provided, single submitter. Criteria: ACMG Guidelines, 2015. Collection method: clinical testing. Allele origin: germline.

CeGaT Center for Human Genetics Tuebingen
Classification: Likely benign. Last evaluated: 2023-05-01. Review status: criteria provided, single submitter. Criteria: CeGaT Center For Human Genetics Tuebingen Variant Classification Criteria Version 2. Collection method: clinical testing. Allele origin: germline. Affected: yes. Observed: 2 variant alleles.
Comment: STK11: BP4

Quest Diagnostics Nichols Institute San Juan Capistrano
Classification: Benign. Last evaluated: 2022-10-27. Review status: criteria provided, single submitter. Criteria: Quest Diagnostics criteria. Collection method: clinical testing. Allele origin: unknown.

Genome-Nilou Lab
Classification: Likely benign for Peutz-Jeghers syndrome. Last evaluated: 2021-07-15. Review status: criteria provided, single submitter. Criteria: ACMG Guidelines, 2015. Collection method: clinical testing. Allele origin: germline. Affected: no.

Genetic Services Laboratory, University of Chicago
Classification: Likely benign. Last evaluated: 2021-03-10. Review status: criteria provided, single submitter. Criteria: ACMG Guidelines, 2015. Collection method: clinical testing. Allele origin: germline. Affected: no.

Women's Health and Genetics/Laboratory Corporation of America, LabCorp
Classification: Benign. Last evaluated: 2017-09-07. Review status: criteria provided, single submitter. Criteria: LabCorp Variant Classification Summary - May 2015. Collection method: clinical testing. Allele origin: germline.
Comment: Variant summary: c.1008+8A>G in CHEK2 gene is an intronic change that involves a non-conserved nucleotide. 5/5 programs in Alamut predict that this variant does not affect a normal splicing, however no functional studies supporting this notion were published at the time of evaluation. The variant is present in the control population dataset of gnomAD at frequency of 0.000129 (4/ 30932 chrs tested), exclusively in individuals of European (NFE) descent (0.00026; 4/14982 chrs tested). The observed frequency exceeds the maximum expected allele frequency for a pathogenic variant of 0.0000063, suggesting that it is likely to be a common polymorphism. The variant of interest has not, to our knowledge, been reported in affected individuals in published reports but is cited as Benign/Likely Benign by reputable database/clinical laboratory. Taking together, the variant was classified as Benign.

Illumina Laboratory Services, Illumina
Classification: Uncertain significance for Peutz-Jeghers syndrome. Last evaluated: 2017-04-27. Review status: criteria provided, single submitter. Criteria: ICSL Variant Classification Criteria 13 December 2019. Collection method: clinical testing. Allele origin: germline.
Comment: This variant was observed as part of a predisposition screen in an ostensibly healthy population. A literature search was performed for the gene, cDNA change, and amino acid change (where applicable). Publications were found based on this search. However, the evidence from the literature, in combination with allele frequency data from public databases where available, was not sufficient to rule this variant in or out of causing disease. Therefore, this variant is classified as a variant of unknown significance.

Color Diagnostics, LLC DBA Color Health
Classification: Likely benign for Hereditary cancer-predisposing syndrome. Last evaluated: 2016-06-16. Review status: criteria provided, single submitter. Criteria: ACMG Guidelines, 2015. Collection method: clinical testing. Allele origin: germline.

Ambry Genetics
Classification: Uncertain significance for Hereditary cancer-predisposing syndrome. Last evaluated: 2015-07-29. Review status: criteria provided, single submitter. Criteria: Ambry Variant Classification Scheme 2023. Collection method: clinical testing. Allele origin: germline.
Comment: The c.920+6C>T intronic alteration consists of a C to T substitution nucleotides after coding exon 7 in the STK11 gene. Based on insufficient or conflicting evidence, the clinical significance of this alteration remains unclear.

GeneDx
Classification: Benign. Last evaluated: 2014-08-27. Review status: criteria provided, single submitter. Criteria: GeneDx Variant Classification (06012015). Collection method: clinical testing. Allele origin: germline. Affected: yes.
Comment: This variant is considered likely benign or benign based on one or more of the following criteria: it is a conservative change, it occurs at a poorly conserved position in the protein, it is predicted to be benign by multiple in silico algorithms, and/or has population frequency not consistent with disease.

PreventionGenetics, part of Exact Sciences
Classification: Likely benign for STK11-related condition. Last evaluated: 2019-09-17. Review status: no assertion criteria provided. Collection method: clinical testing. Allele origin: germline. Not counted in ClinVar's aggregate classification.
Comment: This variant is classified as likely benign based on ACMG/AMP sequence variant interpretation guidelines (Richards et al. 2015 PMID: 25741868, with internal and published modifications).

Department of Pathology and Laboratory Medicine, Sinai Health System
Classification: Likely benign. Review status: no assertion criteria provided. Collection method: clinical testing. Allele origin: unknown. Affected: yes. Study: The Canadian Open Genetics Repository (COGR). Not counted in ClinVar's aggregate classification.
Comment: The STK11 c.920+6C>T variant was not identified in the literature, nor was it identified in LOVD 3.0. The variant was identified in dbSNP (ID: rs730881964) as "With Likely benign allele" and in ClinVar (classified as benign by GeneDx; and as likely benign by Invitae and Color). The variant was identified in control databases in 4 of 30932 chromosomes at a frequency of 0.0001 (Genome Aggregation Database Feb 27, 2017). The variant was observed in the European population in 4 of 14982 chromosomes (freq: 0.0003), while the variant was not observed in the African, Other, Latino, Ashkenazi Jewish, East Asian, Finnish, or South Asian populations. The c.920+6C>T variant is located in the 5' splice region but does not affect the invariant +1 and +2 positions, although positions +3 to +6 are part of the splicing consensus sequence and variants involving these positions sometimes affect splicing. However, in silico or computational prediction software programs (SpliceSiteFinder, MaxEntScan, NNSPLICE, GeneSplicer) do not predict a difference in splicing. In summary, based on the above information, the clinical significance of this variant cannot be determined with certainty at this time although we would lean towards a more benign role for this variant. This variant is classified as likely benign.

Literature cited by the submitters: PubMed 15617552 (cited by Illumina Laboratory Services, Illumina).